The following is an entry in ClinVar:

ClinVar aggregate classification (germline): Likely benign. Review status: criteria provided, multiple submitters, no conflicts (2 of 4 stars). 3 submissions from 3 submitters: Likely benign (2). 1 of the submissions does not count toward it. Last evaluated 2026-04-01.

Conditions:
DCTN1-related disorder. Also called: DCTN1-related condition.
Amyotrophic lateral sclerosis type 1 (ALS1). Also called: AMYOTROPHIC LATERAL SCLEROSIS 1, FAMILIAL. Identifiers: Orphanet 803, MedGen C1862939, MONDO:0007103, OMIM 105400.
Perry syndrome. Also called: PARKINSONISM WITH ALVEOLAR HYPOVENTILATION AND MENTAL DEPRESSION. Identifiers: Orphanet 178509, MedGen C1868594, MONDO:0008201, OMIM 168605.
Neuronopathy, distal hereditary motor, type 7B. Also called: Distal Hereditary Motor Neuronopathy Type 7B (dHMN7B); HMN VIIB; LOWER MOTOR NEURON DISEASE, DYNACTIN TYPE; NEURONOPATHY, DISTAL HEREDITARY MOTOR, AUTOSOMAL DOMINANT 14; NEURONOPATHY, DISTAL HEREDITARY MOTOR, HARDING TYPE VIIB; NEUROPATHY, DISTAL HEREDITARY MOTOR, HARDING TYPE VIIB. Identifiers: Orphanet 139589, MedGen C1843315, MONDO:0011879, OMIM 607641.

Allele frequency attached by ClinVar (database versions not stated): ExAC 0.00001; gnomAD 0.00001; gnomAD exomes 0.00001 and 0.00004; TOPMed 0.00001.
gnomAD v4.1: 9 of 1,613,336 alleles (0.00056%); highest among the groups gnomAD compares: East Asian, 0.02%; no homozygotes.

Submissions (3):

CeGaT Center for Human Genetics Tuebingen
Classification: Likely benign. Last evaluated: 2026-04-01. Review status: criteria provided, single submitter. Criteria: CeGaT Center For Human Genetics Tuebingen Variant Classification Criteria Version 2. Collection method: clinical testing. Allele origin: germline. Affected: yes. Observed: 1 variant allele.
Comment: DCTN1: BP4, BP7

Labcorp Genetics (formerly Invitae), Labcorp
Classification: Likely benign for Amyotrophic lateral sclerosis type 1; Neuronopathy, distal hereditary motor, type 7B; Perry syndrome. Last evaluated: 2024-03-25. Review status: criteria provided, single submitter. Criteria: Invitae Variant Classification Sherloc (09022015). Collection method: clinical testing. Allele origin: germline.

PreventionGenetics, part of Exact Sciences
Classification: Likely benign for DCTN1-related condition. Last evaluated: 2024-09-20. Review status: no assertion criteria provided. Collection method: clinical testing. Allele origin: germline. Not counted in ClinVar's aggregate classification.
Comment: This variant is classified as likely benign based on ACMG/AMP sequence variant interpretation guidelines (Richards et al. 2015 PMID: 25741868, with internal and published modifications).

NM_004082.5(DCTN1):c.384T>C (p.Thr128=)

Gene: DCTN1 (dynactin subunit 1; minus strand). Cytogenetic location: 2p13.1.
Variant type: single nucleotide variant.
Coding change: c.384T>C on transcript NM_004082.5 (MANE Select); coding-DNA position 384, T replaced by C.
Protein change: p.Thr128=; no amino-acid change (threonine 128 retained).
Molecular consequence: synonymous variant. On other transcripts: non-coding transcript variant (1).
Genome position (GRCh38, 1-based): chr2:74,377,441, A>G on the plus strand (T>C on the coding strand, the complement: DCTN1 is on the minus strand). VCF-style: chr2-74377441-A-G. GRCh37 (hg19) VCF-style: chr2-74604568-A-G.
Other names: c.384T>C, p.Thr128= (NM_001135040.3, NM_001190837.2); c.333T>C, p.Thr111= (NM_001190836.2, NM_001378991.1, NM_001378992.1); c.384T>C (NM_004082.4).
Identifiers: ClinVar variation 1550957 (VCV001550957.11), dbSNP rs751553167, ClinGen allele CA1722515.